The following is an entry in ClinVar:

NM_001312673.2(PCYT1A):c.565+6T>A

Gene: PCYT1A (phosphate cytidylyltransferase 1A, choline; minus strand). Cytogenetic location: 3q29.
Variant type: single nucleotide variant.
Coding change: c.565+6T>A on transcript NM_001312673.2 (MANE Select); 6 bases into the intron after coding-DNA position 565, T replaced by A.
Molecular consequence: intron variant.
Genome position (GRCh38, 1-based): chr3:196,242,556, A>T on the plus strand (T>A on the coding strand, the complement: PCYT1A is on the minus strand). VCF-style: chr3-196242556-A-T. GRCh37 (hg19) VCF-style: chr3-195969427-A-T.
Other names: c.565+6T>A (NM_005017.4).
Identifiers: ClinVar variation 1501840 (VCV001501840.6), dbSNP rs2108762922, ClinGen allele CA2573136874.

ClinVar aggregate classification (germline): Uncertain significance (1 of 4 stars; one submission).

Submission:

Labcorp Genetics (formerly Invitae), Labcorp
Classification: Uncertain significance. Last evaluated: 2022-09-01. Review status: criteria provided, single submitter. Criteria: Invitae Variant Classification Sherloc (09022015). Collection method: clinical testing. Allele origin: germline.
Comment: In summary, the available evidence is currently insufficient to determine the role of this variant in disease. Therefore, it has been classified as a Variant of Uncertain Significance. Variants that disrupt the consensus splice site are a relatively common cause of aberrant splicing (PMID: 17576681, 9536098). Algorithms developed to predict the effect of sequence changes on RNA splicing suggest that this variant may create or strengthen a splice site. ClinVar contains an entry for this variant (Variation ID: 1501840). This variant has not been reported in the literature in individuals affected with PCYT1A-related conditions. This variant is not present in population databases (gnomAD no frequency). This sequence change falls in intron 7 of the PCYT1A gene. It does not directly change the encoded amino acid sequence of the PCYT1A protein. It affects a nucleotide within the consensus splice site.

Literature cited by the submitters: PubMed 17576681; PubMed 9536098.